The following is an entry in ClinVar:

NM_001356.5(DDX3X):c.250_256del (p.Phe84fs)

Gene: DDX3X (DEAD-box helicase 3 X-linked; plus strand). Cytogenetic location: Xp11.4.
Variant type: Deletion.
Coding change: c.250_256del on transcript NM_001356.5 (MANE Select); coding-DNA positions 250 to 256, 7 bases deleted (TTCTTCA; older notation c.250_256delTTCTTCA).
Protein change: p.Phe84fs; shifts the reading frame from phenylalanine 84.
Molecular consequence: frameshift variant. On other transcripts: 5 prime UTR variant (1), non-coding transcript variant (1).
Genome position (GRCh38, 1-based): chrX:41,341,582-41,341,588, TTCTTCA deleted. VCF-style (leftmost placement, unchanged base first): chrX-41341581-CTTCTTCA-C. GRCh37 (hg19) VCF-style: chrX-41200834-CTTCTTCA-C.
Other names: c.250_256del, p.Phe84fs (NM_001193416.3); c.202_208del, p.Phe68fs (NM_001193417.3); c.-309_-303del (NM_001363819.1); short protein forms F68fs, F84fs.
Identifiers: ClinVar variation 4880773 (VCV004880773.2).
Genomic context (GRCh38, chrX:41,341,581, plus strand): 5'-CAAAGATAAGGATGCGTATAGCAGTTTTGGATCTCGTAGTGATTCAAGAGGGAAGTCTAG[CTTCTTCA>C]GTGATCGTGGAAGTGGATCAAGGGGAAGGTAAGTGATTTCTTAATCACCTTACGTGTATG-3'

ClinVar aggregate classification (germline): Likely pathogenic (1 of 4 stars; one submission).

Conditions:
Intellectual disability, X-linked 102 (MRXSSB). Also called: Intellectual developmental disorder, X-linked syndromic, Snijders Blok type. Identifiers: Orphanet 457260, MedGen C5393299, MONDO:0010497, OMIM 300958.

Submission:

Dasa
Classification: Likely pathogenic for Intellectual disability, X-linked 102. Last evaluated: 2025-10-14. Review status: criteria provided, single submitter. Criteria: DASA Assertion Criteria. Collection method: clinical testing. Allele origin: germline.
Comment: NM_001356.5(DDX3X):c.250_256del (p.Phe84Valfs*135) is a frameshift variant in DDX3X predicted to alter the reading frame and introduce a premature termination codon and is predicted to result in an absent or altered protein product. Loss of function is an established disease mechanism for DDX3X (PMID: 26235985; PMID: 27159028; PMID: 28327206). Also, this variant is absent from population databases. Based on the currently available evidence, this variant is classified as likely pathogenic.

Literature cited by the submitters: PubMed 26235985; PubMed 27159028; PubMed 28327206.